The following is an entry in ClinVar:

NM_000069.3(CACNA1S):c.5020_5034dup (p.Ser1678_His1679insAsnHisSerAsnSer)

Gene: CACNA1S (calcium voltage-gated channel subunit alpha1 S; minus strand). Cytogenetic location: 1q32.1.
Variant type: Duplication.
Coding change: c.5020_5034dup on transcript NM_000069.3 (MANE Select); coding-DNA positions 5020 to 5034, 15 bases duplicated (AACCATAGCAACAGC).
Protein change: p.Ser1678_His1679insAsnHisSerAsnSer.
Molecular consequence: inframe insertion.
Genome position (GRCh38, 1-based): chr1:201,043,295-201,043,309, GCTGTTGCTATGGTT duplicated on the plus strand (AACCATAGCAACAGC on the coding strand, the reverse complement: CACNA1S is on the minus strand); duplicating any 15 consecutive bases within chr1:201,043,295-201,043,317 gives the same sequence; the c. name uses the placement nearest the transcript's 3' end. VCF-style (leftmost placement, unchanged base first): chr1-201043294-G-GGCTGTTGCTATGGTT. GRCh37 (hg19) VCF-style: chr1-201012422-G-GGCTGTTGCTATGGTT.
Identifiers: ClinVar variation 2921990 (VCV002921990.3), dbSNP rs2464410127, ClinGen allele CA2740090470.
Genomic context (GRCh38, chr1:201,043,294, plus strand): 5'-GTCCTCCCAGTACCTCTACACCCAGGGATGGCAGTGGCCGCCACTACCTGGAAAACACAT[G>GGCTGTTGCTATGGTT]GCTGTTGCTATGGTTGCTGTTGCCATAGGCGACATTGGCGTTGGCATTGTTGGTATTGGC-3'

ClinVar aggregate classification (germline): Uncertain significance (1 of 4 stars; one submission).

Conditions:
Malignant hyperthermia, susceptibility to, 5 (MHS5). Also called: CACNA1S-Related Malignant Hyperthermia Susceptibility. Identifiers: Orphanet 423, MedGen C1866077, MONDO:0011163, OMIM 601887.
Hypokalemic periodic paralysis, type 1. Also called: Hypokalemic Periodic Paralysis Type 1 (AD); HypoPP. Identifiers: Orphanet 681, MedGen C3714580, MONDO:0042979, OMIM 170400.

Submission:

Labcorp Genetics (formerly Invitae), Labcorp
Classification: Uncertain significance for Hypokalemic periodic paralysis, type 1; Malignant hyperthermia, susceptibility to, 5. Last evaluated: 2024-01-06. Review status: criteria provided, single submitter. Criteria: Invitae Variant Classification Sherloc (09022015). Collection method: clinical testing. Allele origin: germline.
Comment: This variant, c.5020_5034dup, results in the insertion of 5 amino acid(s) of the CACNA1S protein (p.Asn1674_Ser1678dup), but otherwise preserves the integrity of the reading frame. This variant is not present in population databases (gnomAD no frequency). This variant has not been reported in the literature in individuals affected with CACNA1S-related conditions. In summary, the available evidence is currently insufficient to determine the role of this variant in disease. Therefore, it has been classified as a Variant of Uncertain Significance.